The following is an entry in ClinVar:

NM_021922.3(FANCE):c.878A>G (p.Gln293Arg)

Gene: FANCE (FA complementation group E; plus strand). Cytogenetic location: 6p21.31.
Variant type: single nucleotide variant.
Coding change: c.878A>G on transcript NM_021922.3 (MANE Select); coding-DNA position 878, A replaced by G.
Protein change: p.Gln293Arg; replaces glutamine 293 with arginine.
Molecular consequence: missense variant.
Genome position (GRCh38, 1-based): chr6:35,457,578, A>G. VCF-style: chr6-35457578-A-G. GRCh37 (hg19) VCF-style: chr6-35425355-A-G.
Other names: c.878A>G, p.Gln293Arg (NM_001410876.1); short protein forms Q293R.
Identifiers: ClinVar variation 1968463 (VCV001968463.2), dbSNP rs146050807, ClinGen allele CA3771509.
Genomic context (GRCh38, chr6:35,457,578, plus strand): 5'-GGGGAGGGACGTAGCAGTGACTGGGCTCTCCTCCACAGGACCAGCTTCCCAGGCTGCAGC[A>G]GCTGCTGAAGACCTTGGAGGAGGTGACTGGCCCCACAGTGCTCACCATAGCCTTTCTTCC-3'
Protein context (NP_068741.1, residues 283-303): AIQDQLPRLQ[Gln293Arg]LLKTLEEGLE

ClinVar aggregate classification (germline): Uncertain significance (1 of 4 stars; one submission).

Conditions:
Fanconi anemia complementation group E (FANCE). Also called: FANCE-Related Fanconi Anemia. Identifiers: Orphanet 84, MedGen C3160739, MONDO:0010953, OMIM 600901.

Allele frequency attached by ClinVar (database versions not stated): ExAC 0.00001; gnomAD 0.00003; 1000 Genomes Project 30x 0.00047; 1000 Genomes Project 0.00060.
gnomAD v4.1: 5 of 1,613,972 alleles (0.00031%); highest among the groups gnomAD compares: African/African-American, 0.0053%; no homozygotes.

Submission:

Labcorp Genetics (formerly Invitae), Labcorp
Classification: Uncertain significance for Fanconi anemia complementation group E. Last evaluated: 2022-05-21. Review status: criteria provided, single submitter. Criteria: Invitae Variant Classification Sherloc (09022015). Collection method: clinical testing. Allele origin: germline.
Comment: This sequence change replaces glutamine, which is neutral and polar, with arginine, which is basic and polar, at codon 293 of the FANCE protein (p.Gln293Arg). This variant is present in population databases (rs146050807, gnomAD 0.02%). This variant has not been reported in the literature in individuals affected with FANCE-related conditions. Algorithms developed to predict the effect of missense changes on protein structure and function (SIFT, PolyPhen-2, Align-GVGD) all suggest that this variant is likely to be tolerated. In summary, the available evidence is currently insufficient to determine the role of this variant in disease. Therefore, it has been classified as a Variant of Uncertain Significance.